The following is an entry in ClinVar:

ClinVar aggregate classification (germline): Pathogenic (1 of 4 stars; one submission).

Conditions:
Hereditary breast ovarian cancer syndrome. Also called: Breast and ovarian cancer; Hereditary breast and ovarian cancer syndrome; Hereditary breast and ovarian cancer syndrome (HBOC); BRCA1- and BRCA2-Associated Hereditary Breast and Ovarian Cancer; Hereditary breast and ovarian cancer; Hereditary breast and/or ovarian cancer syndrome. Identifiers: Orphanet 145, MedGen C0677776, MeSH D061325, MONDO:0003582. Disease mechanism: loss of function.

Submission:

Labcorp Genetics (formerly Invitae), Labcorp
Classification: Pathogenic for Hereditary breast ovarian cancer syndrome. Last evaluated: 2019-03-19. Review status: criteria provided, single submitter. Criteria: Invitae Variant Classification Sherloc (09022015). Collection method: clinical testing. Allele origin: germline.
Comment: For these reasons, this variant has been classified as Pathogenic. Loss-of-function variants in BRCA2 are known to be pathogenic (PMID: 20104584). This variant has not been reported in the literature in individuals with BRCA2-related conditions. This variant is not present in population databases (ExAC no frequency). This sequence change creates a premature translational stop signal (p.Leu2917Profs*2) in the BRCA2 gene. It is expected to result in an absent or disrupted protein product.

Literature cited by the submitters: PubMed 20104584.

NM_000059.4(BRCA2):c.8749dup (p.Leu2917fs)

Gene: BRCA2 (BRCA2 DNA repair associated; plus strand). Cytogenetic location: 13q13.1.
Variant type: Duplication.
Coding change: c.8749dup on transcript NM_000059.4 (MANE Select); coding-DNA position 8749, one base duplicated (C; older notation c.8749dupC).
Protein change: p.Leu2917fs; shifts the reading frame from leucine 2917.
Molecular consequence: frameshift variant.
Genome position (GRCh38, 1-based): chr13:32,376,786, C duplicated; the last of 2 consecutive C bases (chr13:32,376,785-32,376,786); duplicating either gives the same sequence. VCF-style (leftmost placement, unchanged base first): chr13-32376784-A-AC. GRCh37 (hg19) VCF-style: chr13-32950921-A-AC.
Other names: short protein forms L2917fs.
Identifiers: ClinVar variation 841325 (VCV000841325.8), dbSNP rs2072876426, ClinGen allele CA916080531.